The following is an entry in ClinVar:

ClinVar aggregate classification (germline): Likely pathogenic. Review status: criteria provided, multiple submitters, no conflicts (2 of 4 stars). 2 submissions from 2 submitters: Likely pathogenic (2). Last evaluated 2025-06-09.

Conditions:
Progressive myoclonic epilepsy type 3. Also called: EPILEPSY, PROGRESSIVE MYOCLONIC, 3, WITHOUT INTRACELLULAR INCLUSIONS; EPILEPSY, PROGRESSIVE MYOCLONIC, 3, WITH OR WITHOUT INTRACELLULAR INCLUSIONS; CEROID LIPOFUSCINOSIS, NEURONAL, 14; KCTD7-Related Progressive Myoclonic Epilepsy. Identifiers: Orphanet 263516, MedGen C2673257, MONDO:0012721, OMIM 611726.

Allele frequency attached by ClinVar (database versions not stated): gnomAD 0.00001; gnomAD exomes 0.00001.
gnomAD v4.1: 14 of 1,613,670 alleles (0.00087%); highest among the groups gnomAD compares: Non-Finnish European, 0.0011%; no homozygotes.

Submissions (2):

Women's Health and Genetics/Laboratory Corporation of America, LabCorp
Classification: Likely pathogenic for Progressive myoclonic epilepsy type 3. Last evaluated: 2025-06-09. Review status: criteria provided, single submitter. Criteria: LabCorp Variant Classification Summary - May 2015. Collection method: clinical testing. Allele origin: germline.
Comment: Variant summary: KCTD7 c.520G>A (p.Ala174Thr) results in a non-conservative amino acid change in the encoded protein sequence. Algorithms developed to predict the effect of missense changes on protein structure and function are either unavailable or do not agree on the potential impact of this missense change. The variant was absent in 251252 control chromosomes (gnomAD). c.520G>A has been observed in individuals affected with features of Progressive myoclonic epilepsy type 3 (Wang_2019, Dai_2019, Labcorp (formerly Invitae)). These data indicate that the variant is likely to be associated with disease. ClinVar contains an entry for this variant (Variation ID: 2168099). Based on the evidence outlined above, the variant was classified as likely pathogenic.

Labcorp Genetics (formerly Invitae), Labcorp
Classification: Likely pathogenic for Progressive myoclonic epilepsy type 3. Last evaluated: 2023-12-04. Review status: criteria provided, single submitter. Criteria: Invitae Variant Classification Sherloc (09022015). Collection method: clinical testing. Allele origin: germline.
Comment: This sequence change replaces alanine, which is neutral and non-polar, with threonine, which is neutral and polar, at codon 174 of the KCTD7 protein (p.Ala174Thr). This variant is present in population databases (no rsID available, gnomAD 0.007%). This missense change has been observed in individual(s) with KCTD7-related conditions (PMID: 30776697; Invitae). In at least one individual the data is consistent with being in trans (on the opposite chromosome) from a pathogenic variant. It has also been observed to segregate with disease in related individuals. ClinVar contains an entry for this variant (Variation ID: 2168099). Advanced modeling of protein sequence and biophysical properties (such as structural, functional, and spatial information, amino acid conservation, physicochemical variation, residue mobility, and thermodynamic stability) performed at Invitae indicates that this missense variant is not expected to disrupt KCTD7 protein function with a negative predictive value of 80%. In summary, the currently available evidence indicates that the variant is pathogenic, but additional data are needed to prove that conclusively. Therefore, this variant has been classified as Likely Pathogenic.

Literature cited by the submitters: PubMed 30776697 (cited by Women's Health and Genetics/Laboratory Corporation of America, LabCorp and Labcorp Genetics (formerly Invitae), Labcorp); PubMed 31247399 (cited by Women's Health and Genetics/Laboratory Corporation of America, LabCorp).

NM_153033.5(KCTD7):c.520G>A (p.Ala174Thr)

Gene: KCTD7 (potassium channel tetramerization domain containing 7; plus strand). Cytogenetic location: 7q11.21.
Variant type: single nucleotide variant.
Coding change: c.520G>A on transcript NM_153033.5 (MANE Select); coding-DNA position 520, G replaced by A.
Protein change: p.Ala174Thr; replaces alanine 174 with threonine.
Molecular consequence: missense variant.
Genome position (GRCh38, 1-based): chr7:66,638,882, G>A. VCF-style: chr7-66638882-G-A. GRCh37 (hg19) VCF-style: chr7-66103869-G-A.
Other names: c.520G>A, p.Ala174Thr (NM_001167961.2); short protein forms A174T.
Identifiers: ClinVar variation 2168099 (VCV002168099.5), dbSNP rs1440055692, ClinGen allele CA367696645.
Genomic context (GRCh38, chr7:66,638,882, plus strand): 5'-ACCCTAGTGATAGGTGTTGTGTTCATCCTTATAGACCACTTGGAGCGGATTGTGGAGATC[G>A]CCCGGCTGCGTGCGGTCCAGCGGAAGGCCCGCTTTGCCAAGCTCAAGGTCTGTGTCTTCA-3'
Protein context (NP_694578.1, residues 164-184): KDHLERIVEI[Ala174Thr]RLRAVQRKAR